The following is an entry in ClinVar:

NM_005559.4(LAMA1):c.5840G>T (p.Arg1947Leu)

Gene: LAMA1 (laminin subunit alpha 1; minus strand). Cytogenetic location: 18p11.31.
Variant type: single nucleotide variant.
Coding change: c.5840G>T on transcript NM_005559.4 (MANE Select); coding-DNA position 5840, G replaced by T.
Protein change: p.Arg1947Leu; replaces arginine 1947 with leucine.
Molecular consequence: missense variant.
Genome position (GRCh38, 1-based): chr18:6,982,547, C>A on the plus strand (G>T on the coding strand, the complement: LAMA1 is on the minus strand). VCF-style: chr18-6982547-C-A. GRCh37 (hg19) VCF-style: chr18-6982546-C-A.
Other names: short protein forms R1947L.
Identifiers: ClinVar variation 1487838 (VCV001487838.6), dbSNP rs569445597, ClinGen allele CA295759418.

ClinVar aggregate classification (germline): Uncertain significance (1 of 4 stars; one submission).

Submission:

Labcorp Genetics (formerly Invitae), Labcorp
Classification: Uncertain significance. Last evaluated: 2025-03-22. Review status: criteria provided, single submitter. Criteria: Invitae Variant Classification Sherloc (09022015). Collection method: clinical testing. Allele origin: germline.
Comment: This sequence change replaces arginine, which is basic and polar, with leucine, which is neutral and non-polar, at codon 1947 of the LAMA1 protein (p.Arg1947Leu). This variant is not present in population databases (gnomAD no frequency). This variant has not been reported in the literature in individuals affected with LAMA1-related conditions. ClinVar contains an entry for this variant (Variation ID: 1487838). Invitae Evidence Modeling of protein sequence and biophysical properties (such as structural, functional, and spatial information, amino acid conservation, physicochemical variation, residue mobility, and thermodynamic stability) indicates that this missense variant is not expected to disrupt LAMA1 protein function with a negative predictive value of 80%. In summary, the available evidence is currently insufficient to determine the role of this variant in disease. Therefore, it has been classified as a Variant of Uncertain Significance.